The following is an entry in ClinVar:

ClinVar aggregate classification (germline): Benign. Review status: criteria provided, multiple submitters, no conflicts (2 of 4 stars). 13 submissions from 13 submitters: Benign (9). 4 of the submissions do not count toward it. Last evaluated 2026-02-04.

Conditions:
Mucopolysaccharidosis type 6 (MPS6). Also called: MPS VI; N-ACETYLGALACTOSAMINE-4-SULFATASE DEFICIENCY; MPS 6; Maroteaux Lamy syndrome; ARSB DEFICIENCY; ARYLSULFATASE B DEFICIENCY. Identifiers: Orphanet 583, MedGen C0026709, MONDO:0009661, OMIM 253200.

Allele frequency attached by ClinVar (database versions not stated): ExAC 0.39073; TOPMed 0.32470; gnomAD 0.34419 and 0.34386; 1000 Genomes Project 30x 0.28139; 1000 Genomes Project 0.28554; ESP Exome Variant Server 0.32470; gnomAD exomes 0.39856.
gnomAD v4.1: 665,917 of 1,613,786 alleles (41%); highest among the groups gnomAD compares: Non-Finnish European, 44%; 144,405 homozygotes.

Submissions (13):

Labcorp Genetics (formerly Invitae), Labcorp
Classification: Benign for Mucopolysaccharidosis type 6. Last evaluated: 2026-02-04. Review status: criteria provided, single submitter. Criteria: Invitae Variant Classification Sherloc (09022015). Collection method: clinical testing. Allele origin: germline.

Blueprint Genetics
Classification: Benign. Last evaluated: 2024-11-26. Review status: criteria provided, single submitter. Criteria: ACMG Guidelines, 2015. Collection method: clinical testing. Allele origin: germline.

Pars Genome Lab
Classification: Benign for Mucopolysaccharidosis type 6. Last evaluated: 2021-06-19. Review status: criteria provided, single submitter. Criteria: ACMG Guidelines, 2015. Collection method: clinical testing. Allele origin: germline. Affected: no.

Illumina Laboratory Services, Illumina
Classification: Benign for Mucopolysaccharidosis type 6. Last evaluated: 2018-01-13. Review status: criteria provided, single submitter. Criteria: ICSL Variant Classification Criteria 13 December 2019. Collection method: clinical testing. Allele origin: germline.
Comment: This variant was observed in the ICSL laboratory as part of a predisposition screen in an ostensibly healthy population. It had not been previously curated by ICSL or reported in the Human Gene Mutation Database (HGMD: prior to June 1st, 2018), and was therefore a candidate for classification through an automated scoring system. Utilizing variant allele frequency, disease prevalence and penetrance estimates, and inheritance mode, an automated score was calculated to assess if this variant is too frequent to cause the disease. Based on the score and internal cut-off values, a variant classified as benign is not then subjected to further curation. The score for this variant resulted in a classification of benign for this disease.

Laboratory of Diagnosis and Therapy of Lysosomal Disorders, University of Padova
Classification: Benign for Mucopolysaccharidosis type 6. Last evaluated: 2018-01-01. Review status: criteria provided, single submitter. Criteria: ACMG Guidelines, 2015. Collection method: curation. Allele origin: germline. Affected: yes.
Comment: Allele frequency > 5% in ExAC (BA1); Classified benign by a reputable source (BP6)

GeneDx
Classification: Benign. Last evaluated: 2015-03-03. Review status: criteria provided, single submitter. Criteria: GeneDx Variant Classification Process June 2021. Collection method: clinical testing. Allele origin: germline. Affected: yes.
Comment: This variant is associated with the following publications: (PMID: 30335002, 27826022, 18406185)

Eurofins Ntd Llc (ga)
Classification: Benign. Last evaluated: 2014-12-19. Review status: criteria provided, single submitter. Criteria: EGL Classification Definitions 2015. Collection method: clinical testing. Allele origin: germline. Observed: 32 variant alleles, 24 heterozygotes, 8 homozygotes.

Breakthrough Genomics
Classification: Benign. Review status: criteria provided, single submitter. Criteria: ACMG Guidelines, 2015. Collection method: not provided. Allele origin: germline. Inheritance: Autosomal recessive inheritance. Affected: yes.

PreventionGenetics, part of Exact Sciences
Classification: Benign. Review status: criteria provided, single submitter. Criteria: ACMG Guidelines, 2015. Collection method: clinical testing. Allele origin: germline.

Natera, Inc.
Classification: Benign for Mucopolysaccharidosis type VI. Last evaluated: 2019-11-19. Review status: no assertion criteria provided. Collection method: clinical testing. Allele origin: germline. Not counted in ClinVar's aggregate classification.

Mayo Clinic Laboratories, Mayo Clinic
Classification: Uncertain significance. Last evaluated: 2015-10-22. Review status: no assertion criteria provided. Collection method: clinical testing. Allele origin: unknown. Not counted in ClinVar's aggregate classification.

Clinical Genetics DNA and cytogenetics Diagnostics Lab, Erasmus MC, Erasmus Medical Center
Classification: Benign. Review status: no assertion criteria provided. Collection method: clinical testing. Allele origin: germline. Affected: yes. Study: VKGL Data-share Consensus. Not counted in ClinVar's aggregate classification.

Diagnostic Laboratory, Department of Genetics, University Medical Center Groningen
Classification: Benign. Review status: no assertion criteria provided. Collection method: clinical testing. Allele origin: germline. Affected: yes. Study: VKGL Data-share Consensus. Not counted in ClinVar's aggregate classification.

Literature cited by the submitters: PubMed 11802522 (cited by Laboratory of Diagnosis and Therapy of Lysosomal Disorders, University of Padova); PubMed 24875751 (cited by Laboratory of Diagnosis and Therapy of Lysosomal Disorders, University of Padova); PubMed 30118150 (cited by Laboratory of Diagnosis and Therapy of Lysosomal Disorders, University of Padova).

NM_000046.5(ARSB):c.1072G>A (p.Val358Met)

Gene: ARSB (arylsulfatase B; minus strand). Cytogenetic location: 5q14.1.
Variant type: single nucleotide variant.
Coding change: c.1072G>A on transcript NM_000046.5 (MANE Select); coding-DNA position 1072, G replaced by A.
Protein change: p.Val358Met; replaces valine 358 with methionine.
Molecular consequence: missense variant.
Genome position (GRCh38, 1-based): chr5:78,885,654, C>T on the plus strand (G>A on the coding strand, the complement: ARSB is on the minus strand). VCF-style: chr5-78885654-C-T. GRCh37 (hg19) VCF-style: chr5-78181477-C-T.
Other names: c.1072G>A, p.Val358Met (NM_198709.3); short protein forms V358M.
Identifiers: ClinVar variation 92350 (VCV000092350.40), dbSNP rs1065757, ClinGen allele CA145648.
Genomic context (GRCh38, chr5:78,885,654, plus strand): 5'-TCCACACGTCGAAGCCATCCAGAGGCTTTGTGCCATTGGTGTGTCCCCTGGCCAGCTTCA[C>T]GAGTGTTGGCAGCCAGTCAGAGATGTGGATGAGCTCCCGGTTCTTCACGCCCTTCTGCTT-3'
Protein context (NP_000037.2, residues 348-368): IHISDWLPTL[Val358Met]KLARGHTNGT